The following is an entry in ClinVar:

ClinVar aggregate classification (germline): Pathogenic/Likely pathogenic. Review status: criteria provided, multiple submitters, no conflicts (2 of 4 stars). 7 submissions from 7 submitters: Pathogenic (3); Likely pathogenic (1). 3 of the submissions do not count toward it. Last evaluated 2025-12-20.

Conditions:
GLDC-related disorder. Also called: GLDC-related condition.
Glycine encephalopathy 1 (GCE1). Identifiers: MedGen CN376801, MONDO:0958179, OMIM 605899.
Glycine encephalopathy. Also called: Nonketotic hyperglycinemia; Non-ketotic hyperglycinemia. Identifiers: Orphanet 407, MedGen C0751748, MONDO:0011612, HP:0008288.

Allele frequency attached by ClinVar (database versions not stated): gnomAD exomes 0.00002; gnomAD 0.00001; ExAC 0.00002; TOPMed below 0.00001.
gnomAD v4.1: 39 of 1,602,858 alleles (0.0024%); highest among the groups gnomAD compares: Non-Finnish European, 0.0032%; no homozygotes.

Submissions (7):

Labcorp Genetics (formerly Invitae), Labcorp
Classification: Pathogenic for Glycine encephalopathy. Last evaluated: 2025-12-20. Review status: criteria provided, single submitter. Criteria: Invitae Variant Classification Sherloc (09022015). Collection method: clinical testing. Allele origin: germline.
Comment: This sequence change creates a premature translational stop signal (p.Arg424*) in the GLDC gene. It is expected to result in an absent or disrupted protein product. Loss-of-function variants in GLDC are known to be pathogenic (PMID: 16601880). This variant is present in population databases (rs386833521, gnomAD 0.01%). This premature translational stop signal has been observed in individual(s) with non-ketotic hyperglycemia (PMID: 16601880, 26179960). ClinVar contains an entry for this variant (Variation ID: 56040). Algorithms developed to predict the effect of sequence changes on RNA splicing suggest that this variant may disrupt the consensus splice site. For these reasons, this variant has been classified as Pathogenic.

Fulgent Genetics
Classification: Pathogenic for Glycine encephalopathy 1. Last evaluated: 2024-05-10. Review status: criteria provided, single submitter. Criteria: ACMG Guidelines, 2015. Collection method: clinical testing. Allele origin: germline.

Genetics and Genomic Medicine Centre, NeuroGen Healthcare, NeuroGen Healthcare
Classification: Pathogenic for Glycine encephalopathy 1. Last evaluated: 2021-10-02. Review status: criteria provided, single submitter. Criteria: Submitter's publication. Collection method: clinical testing. Allele origin: unknown. Affected: no.

Women's Health and Genetics/Laboratory Corporation of America, LabCorp
Classification: Likely pathogenic for Glycine encephalopathy. Last evaluated: 2016-01-29. Review status: criteria provided, single submitter. Criteria: LabCorp Variant Classification Summary - May 2015. Collection method: clinical testing. Allele origin: germline.

PreventionGenetics, part of Exact Sciences
Classification: Pathogenic for GLDC-related condition. Last evaluated: 2024-07-24. Review status: no assertion criteria provided. Collection method: clinical testing. Allele origin: germline. Not counted in ClinVar's aggregate classification.
Comment: The GLDC c.1270C>T variant is predicted to result in premature protein termination (p.Arg424*). This variant has been reported to be causative for nonketotic hyperglycinemia (NKH), also referred to as glycine encephalopathy (Conter et al. 2006. PubMed ID: 16601880; Coughlin et al. 2017. PubMed ID: 27362913). This variant is reported in 0.0054% of alleles in individuals of East Asian descent in gnomAD. Nonsense variants in GLDC are expected to be pathogenic. This variant is interpreted as pathogenic.

Counsyl
Classification: Pathogenic for Glycine encephalopathy 1. Last evaluated: 2017-03-10. Review status: no assertion criteria provided. Collection method: clinical testing. Allele origin: unknown. Not counted in ClinVar's aggregate classification.

Juha Muilu Group; Institute for Molecular Medicine Finland (FIMM)
Classification: Likely pathogenic for Non-ketotic hyperglycinemia. Review status: no assertion criteria provided. Collection method: not provided. Allele origin: unknown. Not counted in ClinVar's aggregate classification.
Comment: FinDis database variant: This variant was not found or characterized by our laboratory, data were collected from public sources: see reference
ClinVar note: Converted during submission from probable-pathogenic to Likely pathogenic.

Literature cited by the submitters: PubMed 16601880 (cited by 3 submitters); PubMed 26179960 (cited by Labcorp Genetics (formerly Invitae), Labcorp and Counsyl); PubMed 25525159 (cited by Counsyl).

NM_000170.3(GLDC):c.1270C>T (p.Arg424Ter)

Gene: GLDC (glycine decarboxylase; minus strand). Cytogenetic location: 9p24.1.
Variant type: single nucleotide variant.
Coding change: c.1270C>T on transcript NM_000170.3 (MANE Select); coding-DNA position 1270, C replaced by T.
Protein change: p.Arg424Ter; replaces arginine 424 with a stop codon.
Molecular consequence: nonsense.
Genome position (GRCh38, 1-based): chr9:6,592,982, G>A on the plus strand (C>T on the coding strand, the complement: GLDC is on the minus strand). VCF-style: chr9-6592982-G-A. GRCh37 (hg19) VCF-style: chr9-6592982-G-A.
Other names: short protein forms R424*.
Identifiers: ClinVar variation 56040 (VCV000056040.15), dbSNP rs386833521, ClinGen allele CA263287.